The following is an entry in ClinVar:

ClinVar aggregate classification (germline): Pathogenic. Review status: criteria provided, multiple submitters, no conflicts (2 of 4 stars). 5 submissions from 5 submitters: Pathogenic (4). 1 of the submissions does not count toward it. Last evaluated 2025-05-01.

Conditions:
Polycystic kidney disease. Also called: Kidney, Polycystic; Polycystic kidney dysplasia. Identifiers: MedGen C0022680, MeSH D007690, MONDO:0020642, HP:0000113.
Polycystic kidney disease, adult type (PKD1). Also called: Polycystic Kidney Disease 1, Autosomal Dominant; Polycystic kidney disease 1; Polycystic kidney disease 1, severe; POLYCYSTIC KIDNEY DISEASE 1 WITH OR WITHOUT POLYCYSTIC LIVER DISEASE; POLYCYSTIC KIDNEY DISEASE, ADULT, TYPE I; Polycystic Kidney, Autosomal Dominant. Identifiers: MedGen C3149841, MONDO:0008263, OMIM 173900.
PKD1-related disorder. Also called: PKD1-related condition.

Submissions (5):

Women's Health and Genetics/Laboratory Corporation of America, LabCorp
Classification: Pathogenic for Polycystic kidney disease, adult type. Last evaluated: 2025-05-01. Review status: criteria provided, single submitter. Criteria: LabCorp Variant Classification Summary - May 2015. Collection method: clinical testing. Allele origin: germline.
Comment: Variant summary: PKD1 c.11884C>T (p.Gln3962X) results in a premature termination codon, predicted to cause a truncation of the encoded protein or absence of the protein due to nonsense mediated decay, which are commonly known mechanisms for disease. The frequency data for this variant in gnomAD is considered unreliable, as metrics indicate poor data quality at this position. c.11884C>T has been observed in at least one individual affected with Polycystic Kidney Disease 1 (Obeidov_2014). To our knowledge, no experimental evidence demonstrating an impact on protein function has been reported. The following publication have been ascertained in the context of this evaluation (PMID: 24694054). ClinVar contains an entry for this variant (Variation ID: 997175). Based on the evidence outlined above, the variant was classified as pathogenic.

Fulgent Genetics
Classification: Pathogenic for Polycystic kidney disease, adult type. Last evaluated: 2024-05-17. Review status: criteria provided, single submitter. Criteria: ACMG Guidelines, 2015. Collection method: clinical testing. Allele origin: germline.

Blueprint Genetics
Classification: Pathogenic for PKD1-related disorders. Last evaluated: 2023-12-22. Review status: criteria provided, single submitter. Criteria: ACMG Guidelines, 2015. Collection method: clinical testing. Allele origin: germline. Affected: yes. Observed: 2 variant alleles.

GeneDx
Classification: Pathogenic. Last evaluated: 2022-12-08. Review status: criteria provided, single submitter. Criteria: GeneDx Variant Classification Process June 2021. Collection method: clinical testing. Allele origin: germline. Affected: yes.
Comment: Nonsense variant predicted to result in protein truncation or nonsense mediated decay in a gene for which loss-of-function is a known mechanism of disease; Not observed at significant frequency in large population cohorts (gnomAD); This variant is associated with the following publications: (PMID: 29529603, 24694054)

Department of Pathology and Laboratory Medicine, Sinai Health System
Classification: Pathogenic for Polycystic Kidney disease. Review status: no assertion criteria provided. Collection method: clinical testing. Allele origin: unknown. Affected: yes. Observed: 1 variant allele. Study: The Canadian Open Genetics Repository (COGR). Not counted in ClinVar's aggregate classification.
Comment: The PKD1 p.Gln3962* variant was identified in 3 of 322 proband chromosomes (frequency: 0.009) from individuals or families with ADPKD (Audrezet 2016 ,Xu 2018). The variant was also identified in LOVD 3.0 (1x as "affects function"), and the ADPKD Mutation Database (1x as definitely pathogenic by Athena Diagnostics). The variant was not identified in dbSNP, ClinVar, Clinvitae, COGR, or PKD1-LOVD databases. The variant was not identified in the following control databases: the Exome Aggregation Consortium (August 8th 2016), or the Genome Aggregation Database (Feb 27, 2017). The c.11884C>T variant leads to a premature stop codon at position 3962 which is predicted to lead to a truncated or absent protein and loss of function. Loss of function variants of the PKD1 gene are an established mechanism of disease in ADPKD and is the type of variant expected to cause the disorder. In summary, based on the above information this variant meets our laboratoryâ€šÃ„Ã´s criteria to be classified as pathogenic.

Literature cited by the submitters: PubMed 24694054 (cited by Women's Health and Genetics/Laboratory Corporation of America, LabCorp).

NM_001009944.3(PKD1):c.11884C>T (p.Gln3962Ter)

Gene: PKD1 (polycystin 1, transient receptor potential channel interacting; minus strand). Cytogenetic location: 16p13.3.
Variant type: single nucleotide variant.
Coding change: c.11884C>T on transcript NM_001009944.3 (MANE Select); coding-DNA position 11884, C replaced by T.
Protein change: p.Gln3962Ter; replaces glutamine 3962 with a stop codon.
Molecular consequence: nonsense.
Genome position (GRCh38, 1-based): chr16:2,091,003, G>A on the plus strand (C>T on the coding strand, the complement: PKD1 is on the minus strand). VCF-style: chr16-2091003-G-A. GRCh37 (hg19) VCF-style: chr16-2141004-G-A.
Other names: c.11881C>T, p.Gln3961Ter (NM_000296.4); short protein forms Q3961*, Q3962*.
Identifiers: ClinVar variation 997175 (VCV000997175.7), dbSNP rs1596476503, ClinGen allele CA394329430.